The following is an entry in ClinVar:

ClinVar aggregate classification (germline): Uncertain significance (1 of 4 stars; one submission).

Allele frequency attached by ClinVar (database versions not stated): ESP Exome Variant Server 0.00008.

Submission:

Labcorp Genetics (formerly Invitae), Labcorp
Classification: Uncertain significance. Last evaluated: 2022-01-12. Review status: criteria provided, single submitter. Criteria: Invitae Variant Classification Sherloc (09022015). Collection method: clinical testing. Allele origin: germline.
Comment: In summary, the available evidence is currently insufficient to determine the role of this variant in disease. Therefore, it has been classified as a Variant of Uncertain Significance. Algorithms developed to predict the effect of missense changes on protein structure and function are either unavailable or do not agree on the potential impact of this missense change (SIFT: "Deleterious"; PolyPhen-2: "Benign"; Align-GVGD: "Class C0"). This variant has not been reported in the literature in individuals affected with SLC24A5-related conditions. This variant is not present in population databases (gnomAD no frequency). This sequence change replaces threonine, which is neutral and polar, with isoleucine, which is neutral and non-polar, at codon 44 of the SLC24A5 protein (p.Thr44Ile).

NM_205850.3(SLC24A5):c.131C>T (p.Thr44Ile)

Gene: SLC24A5 (solute carrier family 24 member 5; plus strand). Cytogenetic location: 15q21.1.
Variant type: single nucleotide variant.
Coding change: c.131C>T on transcript NM_205850.3 (MANE Select); coding-DNA position 131, C replaced by T.
Protein change: p.Thr44Ile; replaces threonine 44 with isoleucine.
Molecular consequence: missense variant.
Genome position (GRCh38, 1-based): chr15:48,121,866, C>T. VCF-style: chr15-48121866-C-T. GRCh37 (hg19) VCF-style: chr15-48414063-C-T.
Other names: short protein forms T44I.
Identifiers: ClinVar variation 1923769 (VCV001923769.5), dbSNP rs142393233, ClinGen allele CA269980697.